The following is an entry in ClinVar:

ClinVar aggregate classification (germline): Uncertain significance. Review status: criteria provided, multiple submitters, no conflicts (2 of 4 stars). 2 submissions from 2 submitters: Uncertain significance (2). Last evaluated 2024-07-05.

Conditions:
Mucopolysaccharidosis, MPS-III-A (MPS3A). Also called: HEPARAN SULFATE SULFATASE DEFICIENCY; SANFILIPPO SYNDROME A; SULFAMIDASE DEFICIENCY; MPS III A; MPS IIIA (Sanfilippo Syndrome Type A); Mucopolysaccharidosis type IIIA (Sanfilippo A). Identifiers: Orphanet 581, Orphanet 79269, MedGen C0086647, MONDO:0009655, OMIM 252900.

gnomAD v4.1: 2 of 1,598,614 alleles (0.00013%); highest among the groups gnomAD compares: Non-Finnish European, 0.00017%; no homozygotes.

Submissions (2):

3billion
Classification: Uncertain significance for Mucopolysaccharidosis, MPS-III-A. Last evaluated: 2024-07-05. Review status: criteria provided, single submitter. Criteria: ACMG Guidelines, 2015. Collection method: clinical testing. Allele origin: germline. Affected: yes.
Comment: The variant is observed at an extremely low frequency in the gnomAD v4.0.0 dataset (total allele frequency: <0.001%). Predicted Consequence/Location: Missense variant In silico tool predictions suggest damaging effect of the variant on gene or gene product [REVEL: 0.98 (>=0.6, sensitivity 0.68 and specificity 0.92); 3Cnet: 0.96 (>=0.6, sensitivity 0.72 and precision 0.9)]. A different missense change at the same codon (p.Thr321Ala) has been reported to be associated with SGSH related disorder (ClinVar ID: VCV000546107 /PMID: 9401012). However the evidence of pathogenicity is insufficient at this time. Therefore, this variant is classified as VUS according to the recommendation of ACMG/AMP guideline.

Labcorp Genetics (formerly Invitae), Labcorp
Classification: Uncertain significance for Mucopolysaccharidosis, MPS-III-A. Last evaluated: 2022-07-05. Review status: criteria provided, single submitter. Criteria: Invitae Variant Classification Sherloc (09022015). Collection method: clinical testing. Allele origin: germline.
Comment: This variant has not been reported in the literature in individuals affected with SGSH-related conditions. This variant is not present in population databases (gnomAD no frequency). This sequence change replaces threonine, which is neutral and polar, with isoleucine, which is neutral and non-polar, at codon 321 of the SGSH protein (p.Thr321Ile). ClinVar contains an entry for this variant (Variation ID: 1462004). In summary, the available evidence is currently insufficient to determine the role of this variant in disease. Therefore, it has been classified as a Variant of Uncertain Significance. Advanced modeling of protein sequence and biophysical properties (such as structural, functional, and spatial information, amino acid conservation, physicochemical variation, residue mobility, and thermodynamic stability) performed at Invitae indicates that this missense variant is expected to disrupt SGSH protein function.

Literature cited by the submitters: PubMed 9401012 (cited by 3billion).

NM_000199.5(SGSH):c.962C>T (p.Thr321Ile)

Gene: SGSH (N-sulfoglucosamine sulfohydrolase; minus strand). Cytogenetic location: 17q25.3.
Variant type: single nucleotide variant.
Coding change: c.962C>T on transcript NM_000199.5 (MANE Select); coding-DNA position 962, C replaced by T.
Protein change: p.Thr321Ile; replaces threonine 321 with isoleucine.
Molecular consequence: missense variant. On other transcripts: 3 prime UTR variant (2), non-coding transcript variant (1).
Genome position (GRCh38, 1-based): chr17:80,210,999, G>A on the plus strand (C>T on the coding strand, the complement: SGSH is on the minus strand). VCF-style: chr17-80210999-G-A. GRCh37 (hg19) VCF-style: chr17-78184798-G-A.
Other names: c.*49C>T (NM_001352921.3); c.*12C>T (NM_001352922.2); short protein forms T321I.
Identifiers: ClinVar variation 1462004 (VCV001462004.9), dbSNP rs2144699541, ClinGen allele CA401359432.